The following is an entry in ClinVar:

ClinVar aggregate classification (germline): Uncertain significance. Review status: criteria provided, multiple submitters, no conflicts (2 of 4 stars). 3 submissions from 3 submitters: Uncertain significance (3). Last evaluated 2025-02-23.

Conditions:
Brugada syndrome. Also called: Sudden Unexplained Death Syndrome; Sudden Unexplained Nocturnal Death Syndrome (SUNDS); Sudden unexplained nocturnal death syndrome; Sudden unexpected nocturnal death syndrome. Identifiers: Orphanet 130, MedGen C1142166, MONDO:0015263.

Allele frequency attached by ClinVar (database versions not stated): gnomAD 0.00003; TOPMed 0.00003; gnomAD exomes 0.00004; ExAC 0.00005; ESP Exome Variant Server 0.00015.
gnomAD v4.1: 61 of 1,605,944 alleles (0.0038%); highest among the groups gnomAD compares: Non-Finnish European, 0.0047%; no homozygotes.

Submissions (3):

Labcorp Genetics (formerly Invitae), Labcorp
Classification: Uncertain significance for Brugada syndrome. Last evaluated: 2025-02-23. Review status: criteria provided, single submitter. Criteria: Invitae Variant Classification Sherloc (09022015). Collection method: clinical testing. Allele origin: germline.
Comment: This sequence change replaces arginine, which is basic and polar, with glutamine, which is neutral and polar, at codon 136 of the SLMAP protein (p.Arg136Gln). This variant is present in population databases (rs142516364, gnomAD 0.006%). This variant has not been reported in the literature in individuals affected with SLMAP-related conditions. ClinVar contains an entry for this variant (Variation ID: 532076). An algorithm developed to predict the effect of missense changes on protein structure and function (PolyPhen-2) suggests that this variant is likely to be disruptive. In summary, the available evidence is currently insufficient to determine the role of this variant in disease. Therefore, it has been classified as a Variant of Uncertain Significance.

Ambry Genetics
Classification: Uncertain significance. Last evaluated: 2024-10-08. Review status: criteria provided, single submitter. Criteria: Ambry Variant Classification Scheme 2023. Collection method: clinical testing. Allele origin: germline.
Comment: The p.R136Q variant (also known as c.407G>A), located in coding exon 3 of the SLMAP gene, results from a G to A substitution at nucleotide position 407. The arginine at codon 136 is replaced by glutamine, an amino acid with highly similar properties. This amino acid position is conserved. In addition, this alteration is predicted to be tolerated by in silico analysis. Since supporting evidence is limited at this time, the clinical significance of this alteration remains unclear.

Revvity Omics, Revvity
Classification: Uncertain significance. Last evaluated: 2022-06-05. Review status: criteria provided, single submitter. Criteria: ACMG Guidelines, 2015. Collection method: clinical testing. Allele origin: germline.

NM_001377540.1(SLMAP):c.407G>A (p.Arg136Gln)

Gene: SLMAP (sarcolemma associated protein; plus strand). Cytogenetic location: 3p14.3.
Variant type: single nucleotide variant.
Coding change: c.407G>A on transcript NM_001377540.1 (MANE Select); coding-DNA position 407, G replaced by A.
Protein change: p.Arg136Gln; replaces arginine 136 with glutamine.
Molecular consequence: missense variant. On other transcripts: non-coding transcript variant (1).
Genome position (GRCh38, 1-based): chr3:57,841,359, G>A. VCF-style: chr3-57841359-G-A. GRCh37 (hg19) VCF-style: chr3-57827086-G-A.
Other names: c.407G>A, p.Arg136Gln (NM_001304420.3, NM_001304421.2, NM_001377538.1 and 17 more transcripts); c.407G>A (NM_007159.4); short protein forms R136Q.
Identifiers: ClinVar variation 532076 (VCV000532076.10), dbSNP rs142516364, ClinGen allele CA2466795.
Genomic context (GRCh38, chr3:57,841,359, plus strand): 5'-TTACCCATGGGTGTATTGTTTCCACAATAAAACTTTTTCTACCAGATGGTATGGAAGCCC[G>A]GCTCCGCTCAGAGTGAGTATAATTTAGTACTGTGAAGTTTTTGTGAAGTTTAGTACTGTA-3'
Protein context (NP_001364469.1, residues 126-146): KLFLPDGMEA[Arg136Gln]LRSDVIHAPL